The following is an entry in ClinVar:

NM_020822.3(KCNT1):c.1032G>A (p.Leu344=)

Gene: KCNT1 (potassium sodium-activated channel subfamily T member 1; plus strand). Cytogenetic location: 9q34.3.
Variant type: single nucleotide variant.
Coding change: c.1032G>A on transcript NM_020822.3 (MANE Select); coding-DNA position 1032, G replaced by A.
Protein change: p.Leu344=; no amino-acid change (leucine 344 retained).
Molecular consequence: synonymous variant.
Genome position (GRCh38, 1-based): chr9:135,759,856, G>A. VCF-style: chr9-135759856-G-A. GRCh37 (hg19) VCF-style: chr9-138651702-G-A.
Other names: c.897G>A, p.Leu299= (NM_001272003.2).
Identifiers: ClinVar variation 383669 (VCV000383669.3), dbSNP rs1057521705, ClinGen allele CA16605446.

ClinVar aggregate classification (germline): Likely benign. Review status: criteria provided, multiple submitters, no conflicts (2 of 4 stars). 2 submissions from 2 submitters: Likely benign (2). Last evaluated 2024-05-06.

Conditions:
Developmental and epileptic encephalopathy, 14 (DEE14). Also called: Early infantile epileptic encephalopathy 14. Identifiers: Orphanet 293181, MedGen C3554195, MONDO:0013989, OMIM 614959.
Autosomal dominant nocturnal frontal lobe epilepsy 5. Also called: KCNT1-Related Epilepsy; CILIARY DYSKINESIA, PRIMARY, 28, WITHOUT SITUS INVERSUS; CILIARY DYSKINESIA, PRIMARY, 28, WITH SITUS INVERSUS; Epilepsy, nocturnal frontal lobe, 5. Identifiers: Orphanet 98784, MedGen C3554306, MONDO:0014002, OMIM 615005.

Allele frequency attached by ClinVar (database versions not stated): gnomAD exomes below 0.00001; TOPMed below 0.00001.

Submissions (2):

Labcorp Genetics (formerly Invitae), Labcorp
Classification: Likely benign for Autosomal dominant nocturnal frontal lobe epilepsy 5; Developmental and epileptic encephalopathy, 14. Last evaluated: 2024-05-06. Review status: criteria provided, single submitter. Criteria: Invitae Variant Classification Sherloc (09022015). Collection method: clinical testing. Allele origin: germline.

GeneDx
Classification: Likely benign. Last evaluated: 2016-02-19. Review status: criteria provided, single submitter. Criteria: GeneDx Variant Classification (06012015). Collection method: clinical testing. Allele origin: germline. Affected: yes.
Comment: This variant is considered likely benign or benign based on one or more of the following criteria: it is a conservative change, it occurs at a poorly conserved position in the protein, it is predicted to be benign by multiple in silico algorithms, and/or has population frequency not consistent with disease.